The following is an entry in ClinVar:

NM_000264.5(PTCH1):c.1405_1423del (p.Val469fs)

Gene: PTCH1 (patched 1; minus strand). Cytogenetic location: 9q22.32.
Variant type: Deletion.
Coding change: c.1405_1423del on transcript NM_000264.5 (MANE Select); coding-DNA positions 1405 to 1423, 19 bases deleted (GTGGGGCTGGCTGGCGTCC).
Protein change: p.Val469fs; shifts the reading frame from valine 469.
Molecular consequence: frameshift variant. On other transcripts: non-coding transcript variant (1), intron variant (1).
Genome position (GRCh38, 1-based): chr9:95,477,627-95,477,645, GGACGCCAGCCAGCCCCAC deleted on the plus strand (GTGGGGCTGGCTGGCGTCC on the coding strand, the reverse complement: PTCH1 is on the minus strand); deleting any 19 consecutive bases within chr9:95,477,627-95,477,647 gives the same sequence; the c. name uses the placement nearest the transcript's 3' end. VCF-style (leftmost placement, unchanged base first): chr9-95477626-AGGACGCCAGCCAGCCCCAC-A. GRCh37 (hg19) VCF-style: chr9-98239908-AGGACGCCAGCCAGCCCCAC-A.
Other names: c.1207_1225del, p.Val403fs (NM_001083602.3); c.1402_1420del, p.Val468fs (NM_001083603.3); c.952_970del, p.Val318fs (NM_001083604.3, NM_001083605.3, NM_001083606.3 and 1 more transcripts); c.1347+410_1347+428del (NM_001354918.2); short protein forms V468fs, V318fs, V403fs, V469fs.
Identifiers: ClinVar variation 545925 (VCV000545925.2), dbSNP rs1554698587, ClinGen allele CA658822553.

ClinVar aggregate classification (germline): Pathogenic (1 of 4 stars; one submission).

Submission:

GeneDx
Classification: Pathogenic. Last evaluated: 2018-05-03. Review status: criteria provided, single submitter. Criteria: GeneDx Variant Classification (06012015). Collection method: clinical testing. Allele origin: germline. Affected: yes.
Comment: This deletion of 19 nucleotides in PTCH1 is denoted c.1405_1423del19 at the cDNA level and p.Val469CysfsX16 (V469CfsX16) at the protein level. The surrounding sequence is TGCC[del19]TGCT. The deletion causes a frameshift which changes a Valine to a Cysteine at codon 469, and creates a premature stop codon at position 16 of the new reading frame. Although this variant has not, to our knowledge, been reported in the literature, it is predicted to cause loss of normal protein function through either protein truncation or nonsense-mediated mRNA decay. We consider this variant to be pathogenic.